The following is an entry in ClinVar:

NM_001005373.4(LRSAM1):c.2080T>C (p.Cys694Arg)

Gene: LRSAM1 (leucine rich repeat and sterile alpha motif containing 1; plus strand). Cytogenetic location: 9q34.11.
Variant type: single nucleotide variant.
Coding change: c.2080T>C on transcript NM_001005373.4 (MANE Select); coding-DNA position 2080, T replaced by C.
Protein change: p.Cys694Arg; replaces cysteine 694 with arginine.
Molecular consequence: missense variant. On other transcripts: non-coding transcript variant (2).
Genome position (GRCh38, 1-based): chr9:127,502,807, T>C. VCF-style: chr9-127502807-T-C. GRCh37 (hg19) VCF-style: chr9-130265086-T-C.
Other names: c.2080T>C, p.Cys694Arg (NM_001005374.4, NM_001384142.1, NM_138361.5); c.1999T>C, p.Cys667Arg (NM_001190723.3); c.1981T>C, p.Cys661Arg (NM_001384143.1); c.1291T>C, p.Cys431Arg (NM_001384144.1); short protein forms C694R, C667R, C431R, C661R.
Identifiers: ClinVar variation 408267 (VCV000408267.11), dbSNP rs759312530, ClinGen allele CA5247259.

ClinVar aggregate classification (germline): Pathogenic. Review status: criteria provided, multiple submitters, no conflicts (2 of 4 stars). 2 submissions from 2 submitters: Pathogenic (2). Last evaluated 2026-04-22.

Conditions:
Charcot-Marie-Tooth disease axonal type 2P. Also called: CHARCOT-MARIE-TOOTH NEUROPATHY, TYPE 2P; Charcot-Marie-Tooth Neuropathy Type 2G; CHARCOT-MARIE-TOOTH DISEASE, AXONAL, TYPE 2G; CMT 2G. Identifiers: Orphanet 300319, Orphanet 99941, MedGen C3280797, MONDO:0013753, OMIM 614436.

Allele frequency attached by ClinVar (database versions not stated): ExAC 0.00001; gnomAD exomes 0.00001.
gnomAD v4.1: 3 of 1,612,138 alleles (0.00019%); highest among the groups gnomAD compares: Non-Finnish European, 0.00025%; no homozygotes.

Submissions (2):

Women's Health and Genetics/Laboratory Corporation of America, LabCorp
Classification: Pathogenic for Charcot-Marie-Tooth disease axonal type 2P. Last evaluated: 2026-04-22. Review status: criteria provided, single submitter. Criteria: LabCorp Variant Classification Summary - May 2015. Collection method: clinical testing. Allele origin: germline.
Comment: Variant summary: LRSAM1 c.2080T>C (p.Cys694Arg) results in a non-conservative amino acid change in the encoded protein sequence. Algorithms developed to predict the effect of missense changes on protein structure and function all suggest that this variant is likely to be disruptive. The frequency data for this variant in gnomAD v.2.1 is considered unreliable, as metrics indicate poor data quality at this position, although the variant was found in 3 of 1612138 chromosomes in gnomAD v4.1. c.2080T>C has been observed in multiple individuals affected with autosomal dominant Charcot-Marie-Tooth disease axonal type 2P (e.g. Hu_2016, Wang_2016). These data indicate that the variant is very likely to be associated with disease. At least one publication reports experimental evidence evaluating an impact on protein function, finding that the variant disrupts LRSAM1 function (Hu_2016). The following publications have been ascertained in the context of this evaluation (PMID: 27615052, 27164712). ClinVar contains an entry for this variant (Variation ID: 408267). Based on the evidence outlined above, the variant was classified as pathogenic.

Labcorp Genetics (formerly Invitae), Labcorp
Classification: Pathogenic for Charcot-Marie-Tooth disease axonal type 2P. Last evaluated: 2026-01-14. Review status: criteria provided, single submitter. Criteria: Invitae Variant Classification Sherloc (09022015). Collection method: clinical testing. Allele origin: germline.
Comment: This sequence change replaces cysteine, which is neutral and slightly polar, with arginine, which is basic and polar, at codon 694 of the LRSAM1 protein (p.Cys694Arg). This variant is present in population databases (rs759312530, gnomAD 0.0009%). This missense change has been observed in individuals with autosomal dominant Charcot-Marie-Tooth disease (PMID: 27164712, 27615052; internal data). It has also been observed to segregate with disease in related individuals. ClinVar contains an entry for this variant (Variation ID: 408267). Invitae Evidence Modeling of protein sequence and biophysical properties (such as structural, functional, and spatial information, amino acid conservation, physicochemical variation, residue mobility, and thermodynamic stability) indicates that this missense variant is expected to disrupt LRSAM1 protein function with a positive predictive value of 80%. Experimental studies have shown that this missense change affects LRSAM1 function (PMID: 27615052). This variant disrupts the p.Cys694 amino acid residue in LRSAM1. Other variant(s) that disrupt this residue have been observed in individuals with LRSAM1-related conditions (PMID: 27686364), which suggests that this may be a clinically significant amino acid residue. For these reasons, this variant has been classified as Pathogenic.

Literature cited by the submitters: PubMed 27615052 (cited by Women's Health and Genetics/Laboratory Corporation of America, LabCorp and Labcorp Genetics (formerly Invitae), Labcorp); PubMed 27164712 (cited by Women's Health and Genetics/Laboratory Corporation of America, LabCorp and Labcorp Genetics (formerly Invitae), Labcorp); PubMed 27686364 (cited by Labcorp Genetics (formerly Invitae), Labcorp).